The following is an entry in ClinVar:

NM_001077350.3(NPRL3):c.1306G>A (p.Gly436Ser)

Genes: HBA-LCR (alpha-globin locus control region; plus strand), NPRL3 (NPR3 like, GATOR1 complex subunit; minus strand). Cytogenetic location: 16p13.3.
Variant type: single nucleotide variant.
Coding change: c.1306G>A on transcript NM_001077350.3 (MANE Select); coding-DNA position 1306, G replaced by A.
Protein change: p.Gly436Ser; replaces glycine 436 with serine.
Molecular consequence: missense variant.
Genome position (GRCh38, 1-based): chr16:89,758, C>T on the plus strand (G>A on the coding strand, the complement: NPRL3 is on the minus strand). VCF-style: chr16-89758-C-T. GRCh37 (hg19) VCF-style: chr16-139756-C-T.
Other names: c.769G>A, p.Gly257Ser (NM_001039476.3); c.1072G>A, p.Gly358Ser (NM_001243247.2); c.1231G>A, p.Gly411Ser (NM_001243248.2, NM_001243249.2); short protein forms G358S, G411S, G436S, G257S.
Identifiers: ClinVar variation 952886 (VCV000952886.10), dbSNP rs548390527, ClinGen allele CA7769378.

ClinVar aggregate classification (germline): Uncertain significance (1 of 4 stars; one submission).

Conditions:
Epilepsy, familial focal, with variable foci 3 (FFEVF3). Identifiers: MedGen C4310708, MONDO:0014925, OMIM 617118.

Allele frequency attached by ClinVar (database versions not stated): TOPMed 0.00002; gnomAD exomes 0.00003 and 0.00001; ExAC 0.00004; 1000 Genomes Project 0.00020; 1000 Genomes Project 30x 0.00031; gnomAD 0.00002.
gnomAD v4.1: 18 of 1,596,518 alleles (0.0011%); highest among the groups gnomAD compares: Middle Eastern, 0.034%; no homozygotes.

Submission:

Labcorp Genetics (formerly Invitae), Labcorp
Classification: Uncertain significance for Epilepsy, familial focal, with variable foci 3. Last evaluated: 2024-08-11. Review status: criteria provided, single submitter. Criteria: Invitae Variant Classification Sherloc (09022015). Collection method: clinical testing. Allele origin: germline.
Comment: This sequence change replaces glycine, which is neutral and non-polar, with serine, which is neutral and polar, at codon 436 of the NPRL3 protein (p.Gly436Ser). This variant is present in population databases (rs548390527, gnomAD 0.006%). This variant has not been reported in the literature in individuals affected with NPRL3-related conditions. ClinVar contains an entry for this variant (Variation ID: 952886). Advanced modeling of protein sequence and biophysical properties (such as structural, functional, and spatial information, amino acid conservation, physicochemical variation, residue mobility, and thermodynamic stability) performed at Invitae indicates that this missense variant is not expected to disrupt NPRL3 protein function with a negative predictive value of 80%. In summary, the available evidence is currently insufficient to determine the role of this variant in disease. Therefore, it has been classified as a Variant of Uncertain Significance.